The following is an entry in ClinVar:

NM_000038.6(APC):c.1658G>A (p.Trp553Ter)

Gene: APC (APC regulator of Wnt signaling pathway; plus strand). Cytogenetic location: 5q22.2.
Variant type: single nucleotide variant.
Coding change: c.1658G>A on transcript NM_000038.6 (MANE Select); coding-DNA position 1658, G replaced by A.
Protein change: p.Trp553Ter; replaces tryptophan 553 with a stop codon.
Molecular consequence: nonsense.
Genome position (GRCh38, 1-based): chr5:112,828,887, G>A. VCF-style: chr5-112828887-G-A. GRCh37 (hg19) VCF-style: chr5-112164584-G-A.
Other names: c.1658G>A, p.Trp553Ter (NM_001127510.3, NM_001354895.2); c.1604G>A, p.Trp535Ter (NM_001127511.3); c.1712G>A, p.Trp571Ter (NM_001354896.2); c.1688G>A, p.Trp563Ter (NM_001354897.2); c.1583G>A, p.Trp528Ter (NM_001354898.2); c.1574G>A, p.Trp525Ter (NM_001354899.2); c.1535G>A, p.Trp512Ter (NM_001354900.2); c.1481G>A, p.Trp494Ter (NM_001354901.2); and 5 more; short protein forms W535*, W553*, W427*, W452*, W270*, W393*, W494*, W512*.
Identifiers: ClinVar variation 217935 (VCV000217935.26), dbSNP rs863225318, ClinGen allele CA279734.

ClinVar aggregate classification (germline): Pathogenic. Review status: criteria provided, multiple submitters, no conflicts (2 of 4 stars). 7 submissions from 7 submitters: Pathogenic (6). 1 of the submissions does not count toward it. Last evaluated 2025-12-10.

Conditions:
Hereditary cancer-predisposing syndrome. Also called: Hereditary Cancer Syndrome; Hereditary neoplastic syndrome; Neoplastic Syndromes, Hereditary; Tumor predisposition. Identifiers: Orphanet 140162, MedGen C0027672, MeSH D009386, MONDO:0015356.
Familial adenomatous polyposis 1 (FAP1). Also called: FAMILIAL ADENOMATOUS POLYPOSIS 1, ATTENUATED; POLYPOSIS, ADENOMATOUS INTESTINAL. Identifiers: MedGen C2713442, MONDO:0021056, OMIM 175100. Disease mechanism: loss of function.

Submissions (7):

Ambry Genetics
Classification: Pathogenic for Hereditary cancer-predisposing syndrome. Last evaluated: 2025-12-10. Review status: criteria provided, single submitter. Criteria: Ambry Variant Classification Scheme 2023. Collection method: clinical testing. Allele origin: germline.
Comment: The p.W553* pathogenic mutation (also known as c.1658G>A), located in coding exon 13 of the APC gene, results from a G to A substitution at nucleotide position 1658. This changes the amino acid from a tryptophan to a stop codon within coding exon 13. This variant was reported in individual(s) with features consistent with APC-related familial adenomatous polyposis (Nagase et al. Hum Mutat. 1992;1(6):467-73; Ambry internal data). This alteration is expected to result in loss of function by premature protein truncation or nonsense-mediated mRNA decay. As such, this alteration is interpreted as a disease-causing mutation.

Labcorp Genetics (formerly Invitae), Labcorp
Classification: Pathogenic for Familial adenomatous polyposis 1. Last evaluated: 2024-12-12. Review status: criteria provided, single submitter. Criteria: Invitae Variant Classification Sherloc (09022015). Collection method: clinical testing. Allele origin: germline.
Comment: This sequence change creates a premature translational stop signal (p.Trp553*) in the APC gene. It is expected to result in an absent or disrupted protein product. Loss-of-function variants in APC are known to be pathogenic (PMID: 17963004, 20685668). This variant is not present in population databases (gnomAD no frequency). This premature translational stop signal has been observed in individual(s) with familial adenomatous polyposis (PMID: 1338764). ClinVar contains an entry for this variant (Variation ID: 217935). For these reasons, this variant has been classified as Pathogenic.

KCCC/NGS Laboratory, Kuwait Cancer Control Center
Classification: Pathogenic for Familial adenomatous polyposis 1. Last evaluated: 2023-05-31. Review status: criteria provided, single submitter. Criteria: ACMG Guidelines, 2015. Collection method: clinical testing. Allele origin: germline. Inheritance: Autosomal dominant inheritance. Affected: yes. Observed: 1 heterozygote.
Comment: A known pathogenic mutation was detected in the APC gene (c.l658G>A). This sequence change creates a premature translational stop signal (p.Trp553*) in the APC gene. It is expected to result in an absent or disrupted protein product. Loss-of-function variants in APC are known to be pathogenic (PMID: 17963004, 20685668). This variant is not present in population databases (gnomAD no frequency). This premature translational stop signal has been observed in individual(s) with familial adenomatous polyposis (PMID: 1338764). ClinVar contains an entry for this variant (Variation ID: 217935). Algorithms developed to predict the effect of sequence changes on RNA splicing suggest that this variant may create or strengthen a splice site. For these reasons, this variant has been classified as Pathogenic.

Myriad Genetics, Inc.
Classification: Pathogenic for Familial adenomatous polyposis 1. Last evaluated: 2023-05-02. Review status: criteria provided, single submitter. Criteria: Myriad Autosomal Dominant, Autosomal Recessive and X-Linked Classification Criteria (2023). Collection method: clinical testing. Allele origin: unknown.
Comment: This variant is considered pathogenic. This variant creates a termination codon and is predicted to result in premature protein truncation.

GeneDx
Classification: Pathogenic. Last evaluated: 2021-10-18. Review status: criteria provided, single submitter. Criteria: GeneDx Variant Classification Process June 2021. Collection method: clinical testing. Allele origin: germline. Affected: yes.
Comment: Nonsense variant predicted to result in protein truncation or nonsense mediated decay in a gene for which loss-of-function is a known mechanism of disease; Reported in an individual with familial adenomatous polyposis (Nagase 1992); Not observed at significant frequency in large population cohorts (Lek 2016); This variant is associated with the following publications: (PMID: 1338764)

Quest Diagnostics Nichols Institute San Juan Capistrano
Classification: Pathogenic. Last evaluated: 2019-03-15. Review status: criteria provided, single submitter. Criteria: Quest Diagnostics criteria. Collection method: clinical testing. Allele origin: germline.
Comment: The variant creates a premature nonsense codon, and is therefore predicted to result in the loss of a functional protein. Found in at least one symptomatic patient, and not found in general population data.

Mayo Clinic Laboratories, Mayo Clinic
Classification: Pathogenic. Review status: no assertion criteria provided. Collection method: research. Allele origin: unknown. Observed: 1 variant allele. Not counted in ClinVar's aggregate classification.

Literature cited by the submitters: PubMed 17963004 (cited by Labcorp Genetics (formerly Invitae), Labcorp); PubMed 20685668 (cited by Labcorp Genetics (formerly Invitae), Labcorp); PubMed 1338764 (cited by Labcorp Genetics (formerly Invitae), Labcorp and Quest Diagnostics Nichols Institute San Juan Capistrano); PubMed 25525159 (cited by Quest Diagnostics Nichols Institute San Juan Capistrano).